The following is an entry in ClinVar:

ClinVar aggregate classification (germline): Pathogenic. Review status: criteria provided, multiple submitters, no conflicts (2 of 4 stars). 2 submissions from 2 submitters: Pathogenic (2). Last evaluated 2024-06-18.

Conditions:
VPS13A-related neurodegenerative disease. Also called: VPS13A Disease; LEVINE-CRITCHLEY SYNDROME; Choreoacanthocytosis; Chorea-acanthocytosis; ACANTHOCYTOSIS WITH NEUROLOGIC DISORDER; Choreaacanthocytosis. Identifiers: Orphanet 2388, MedGen C0393576, MONDO:0008695, OMIM 200150.

Allele frequency attached by ClinVar (database versions not stated): gnomAD exomes below 0.00001.
gnomAD v4.1: 2 of 1,593,558 alleles (0.00013%); highest among the groups gnomAD compares: East Asian, 0.0022%; no homozygotes.

Submissions (2):

Natera, Inc.
Classification: Pathogenic for Choreaacanthocytosis. Last evaluated: 2024-06-18. Review status: criteria provided, single submitter. Criteria: Natera Variant Classification Schema (03/2026). Collection method: clinical testing. Allele origin: germline.
Comment: The c.1596-2A>G variant in VPS13A is a canonical splice acceptor site variant predicted to affect pre-mRNA splicing, which may result in an abnormal transcript and altered protein product. This variant is expected to result in nonsense mediated decay, truncation, or a dysfunctional protein product. This variant is rare in the general population with a frequency below the threshold expected for the associated phenotype(s). Another variant at this same site results in an alteration predicted to cause a similar molecular effect has been observed in individual(s) with the associated phenotype. Given the available evidence, this variant is classified as Pathogenic.

Labcorp Genetics (formerly Invitae), Labcorp
Classification: Pathogenic. Last evaluated: 2023-11-06. Review status: criteria provided, single submitter. Criteria: Invitae Variant Classification Sherloc (09022015). Collection method: clinical testing. Allele origin: germline.
Comment: This sequence change affects an acceptor splice site in intron 17 of the VPS13A gene. It is expected to disrupt RNA splicing. Variants that disrupt the donor or acceptor splice site typically lead to a loss of protein function (PMID: 16199547), and loss-of-function variants in VPS13A are known to be pathogenic (PMID: 12404112, 21598378). This variant is not present in population databases (gnomAD no frequency). Disruption of this splice site has been observed in individuals with chorea-acanthocytosis (PMID: 12404112). ClinVar contains an entry for this variant (Variation ID: 1353858). Algorithms developed to predict the effect of sequence changes on RNA splicing suggest that this variant may disrupt the consensus splice site. For these reasons, this variant has been classified as Pathogenic.

Literature cited by the submitters: PubMed 16199547 (cited by Labcorp Genetics (formerly Invitae), Labcorp); PubMed 12404112 (cited by Labcorp Genetics (formerly Invitae), Labcorp); PubMed 21598378 (cited by Labcorp Genetics (formerly Invitae), Labcorp).

NM_033305.3(VPS13A):c.1596-2A>G

Gene: VPS13A (vacuolar protein sorting 13 homolog A; plus strand). Cytogenetic location: 9q21.2.
Variant type: single nucleotide variant.
Coding change: c.1596-2A>G on transcript NM_033305.3 (MANE Select); the canonical splice acceptor site of the intron before coding-DNA position 1596, A replaced by G.
Molecular consequence: splice acceptor variant.
Genome position (GRCh38, 1-based): chr9:77,238,000, A>G. VCF-style: chr9-77238000-A-G. GRCh37 (hg19) VCF-style: chr9-79852916-A-G.
Other names: c.1596-2A>G (NM_001018037.2, NM_015186.4, NM_001018038.3 and 1 more transcripts).
Identifiers: ClinVar variation 1353858 (VCV001353858.7), dbSNP rs2131230395, ClinGen allele CA373846800.
Genomic context (GRCh38, chr9:77,238,000, plus strand): 5'-AATTTTTAAAATCCTTCACAATTTTACTGATCGCTGACTTTTTTCTTTTTTTTTTAATGC[A>G]GATTTGAAACTAAAATAGATTCATTTCATATTACTGGCTTACCAGATAATTCAGAAAAAC-3'